The following is an entry in ClinVar:

NM_020800.3(IFT80):c.1726G>A (p.Ala576Thr)

Genes: TRIM59-IFT80 (TRIM59-IFT80 readthrough (NMD candidate); minus strand), IFT80 (intraflagellar transport 80; minus strand). Cytogenetic location: 3q25.33.
Variant type: single nucleotide variant.
Coding change: c.1726G>A on transcript NM_020800.3 (MANE Select); coding-DNA position 1726, G replaced by A.
Protein change: p.Ala576Thr; replaces alanine 576 with threonine.
Molecular consequence: missense variant. On other transcripts: non-coding transcript variant (3).
Genome position (GRCh38, 1-based): chr3:160,279,303, C>T on the plus strand (G>A on the coding strand, the complement: IFT80 is on the minus strand). VCF-style: chr3-160279303-C-T. GRCh37 (hg19) VCF-style: chr3-159997091-C-T.
Other names: p.Ala576Thr; c.1315G>A, p.Ala439Thr (NM_001190241.2, NM_001190242.2); short protein forms A439T, A576T.
Identifiers: ClinVar variation 1047219 (VCV001047219.9), dbSNP rs1714506395, ClinGen allele CA355190964.

ClinVar aggregate classification (germline): Uncertain significance. Review status: criteria provided, multiple submitters, no conflicts (2 of 4 stars). 2 submissions from 2 submitters: Uncertain significance (2). Last evaluated 2025-07-23.

Conditions:
Jeune thoracic dystrophy. Also called: Jeune syndrome; Infantile thoracic dystrophy; Thoracic pelvic phalangeal dystrophy; Jeune's syndrome; Chondroectodermal dysplasia-like syndrome; Short-rib thoracic dysplasia. Identifiers: Orphanet 474, MedGen C0265275, MONDO:0018770.

Allele frequency attached by ClinVar (database versions not stated): TOPMed 0.00001.
gnomAD v4.1: 2 of 1,612,944 alleles (0.00012%); highest among the groups gnomAD compares: African/African-American, 0.0027%; no homozygotes.

Submissions (2):

Mayo Clinic Laboratories, Mayo Clinic
Classification: Uncertain significance. Last evaluated: 2025-07-23. Review status: criteria provided, single submitter. Criteria: ACMG Guidelines, 2015. Collection method: clinical testing. Allele origin: germline. Observed: 1 variant allele.
Comment: BP4_moderate, PM2_supporting

Labcorp Genetics (formerly Invitae), Labcorp
Classification: Uncertain significance for Jeune thoracic dystrophy. Last evaluated: 2025-01-27. Review status: criteria provided, single submitter. Criteria: Invitae Variant Classification Sherloc (09022015). Collection method: clinical testing. Allele origin: germline.
Comment: This sequence change replaces alanine, which is neutral and non-polar, with threonine, which is neutral and polar, at codon 576 of the IFT80 protein (p.Ala576Thr). This variant is not present in population databases (gnomAD no frequency). This variant has not been reported in the literature in individuals affected with IFT80-related conditions. ClinVar contains an entry for this variant (Variation ID: 1047219). Invitae Evidence Modeling of protein sequence and biophysical properties (such as structural, functional, and spatial information, amino acid conservation, physicochemical variation, residue mobility, and thermodynamic stability) has been performed for this missense variant. However, the output from this modeling did not meet the statistical confidence thresholds required to predict the impact of this variant on IFT80 protein function. In summary, the available evidence is currently insufficient to determine the role of this variant in disease. Therefore, it has been classified as a Variant of Uncertain Significance.